The following is an entry in ClinVar:

ClinVar aggregate classification (germline): Uncertain significance. Review status: criteria provided, multiple submitters, no conflicts (2 of 4 stars). 2 submissions from 2 submitters: Uncertain significance (2). Last evaluated 2023-07-12.

Conditions:
Hereditary cancer-predisposing syndrome. Also called: Neoplastic Syndromes, Hereditary; Tumor predisposition; Hereditary Cancer Syndrome; Hereditary neoplastic syndrome. Identifiers: Orphanet 140162, MedGen C0027672, MeSH D009386, MONDO:0015356.

Submissions (2):

Ambry Genetics
Classification: Uncertain significance for Hereditary cancer-predisposing syndrome. Last evaluated: 2023-07-12. Review status: criteria provided, single submitter. Criteria: Ambry Variant Classification Scheme 2023. Collection method: clinical testing. Allele origin: germline.
Comment: The p.A128T variant (also known as c.382G>A), located in coding exon 1 of the HOXB13 gene, results from a G to A substitution at nucleotide position 382. The alanine at codon 128 is replaced by threonine, an amino acid with similar properties. This variant was not reported in population based cohorts in the following databases: Database of Single Nucleotide Polymorphisms (dbSNP), NHLBI Exome Sequencing Project (ESP), and 1000 Genomes Project. In the ESP, this variant was not observed in 6503 samples (13006 alleles) with coverage at this position. This amino acid position is highly conserved in available vertebrate species. In addition, the in silico prediction for this alteration is inconclusive. Since supporting evidence is limited at this time, the clinical significance of this alteration remains unclear.

Labcorp Genetics (formerly Invitae), Labcorp
Classification: Uncertain significance. Last evaluated: 2022-04-28. Review status: criteria provided, single submitter. Criteria: Invitae Variant Classification Sherloc (09022015). Collection method: clinical testing. Allele origin: germline.
Comment: In summary, the available evidence is currently insufficient to determine the role of this variant in disease. Therefore, it has been classified as a Variant of Uncertain Significance. Algorithms developed to predict the effect of missense changes on protein structure and function are either unavailable or do not agree on the potential impact of this missense change (SIFT: "Tolerated"; PolyPhen-2: "Probably Damaging"; Align-GVGD: "Class C0"). This variant has not been reported in the literature in individuals affected with HOXB13-related conditions. This variant is not present in population databases (gnomAD no frequency). This sequence change replaces alanine, which is neutral and non-polar, with threonine, which is neutral and polar, at codon 128 of the HOXB13 protein (p.Ala128Thr).

NM_006361.6(HOXB13):c.382G>A (p.Ala128Thr)

Gene: HOXB13 (homeobox B13; minus strand). Cytogenetic location: 17q21.32.
Variant type: single nucleotide variant.
Coding change: c.382G>A on transcript NM_006361.6 (MANE Select); coding-DNA position 382, G replaced by A.
Protein change: p.Ala128Thr; replaces alanine 128 with threonine.
Molecular consequence: missense variant.
Genome position (GRCh38, 1-based): chr17:48,728,212, C>T on the plus strand (G>A on the coding strand, the complement: HOXB13 is on the minus strand). VCF-style: chr17-48728212-C-T. GRCh37 (hg19) VCF-style: chr17-46805574-C-T.
Other names: short protein forms A128T.
Identifiers: ClinVar variation 1735337 (VCV001735337.8), dbSNP rs2143072447, ClinGen allele CA400107576.
Genomic context (GRCh38, chr17:48,728,212, plus strand): 5'-CAGACACGTCCAGGTAACTGGCCATAGGCTGGTAGGTTCCCGGATATCCCGGATAGAAGG[C>T]AAACTCAGTGGGGCGGCTGGGGTACTCTTCCCCGGCCGTGGGAGTCTCCGCGGGGTACGC-3'
Protein context (NP_006352.2, residues 118-138): EEYPSRPTEF[Ala128Thr]FYPGYPGTYQ